The following is an entry in ClinVar:

ClinVar aggregate classification (germline): Benign/Likely benign. Review status: criteria provided, multiple submitters, no conflicts (2 of 4 stars). 10 submissions from 10 submitters: Benign (8); Likely benign (1). 1 of the submissions does not count toward it. Last evaluated 2026-02-04.

Conditions:
Fanconi anemia complementation group P. Also called: SLX4-Related Fanconi Anemia. Identifiers: Orphanet 84, MedGen C3469542, MONDO:0013499, OMIM 613951.
Fanconi anemia (FA). Also called: Fanconi's anemia. Identifiers: Orphanet 84, MedGen C0015625, MeSH D005199, MONDO:0019391.

Allele frequency attached by ClinVar (database versions not stated): gnomAD exomes 0.03288; ESP Exome Variant Server 0.03294; gnomAD 0.03405 and 0.03651; ExAC 0.03539; TOPMed 0.03815; 1000 Genomes Project 0.06709; 1000 Genomes Project 30x 0.06902.
gnomAD v4.1: 38,475 of 1,614,034 alleles (2.4%); highest among the groups gnomAD compares: South Asian, 12%; 1,255 homozygotes.

Submissions (10):

Labcorp Genetics (formerly Invitae), Labcorp
Classification: Benign for Fanconi anemia. Last evaluated: 2026-02-04. Review status: criteria provided, single submitter. Criteria: Invitae Variant Classification Sherloc (09022015). Collection method: clinical testing. Allele origin: germline.

Mayo Clinic Laboratories, Mayo Clinic
Classification: Benign. Last evaluated: 2025-08-21. Review status: criteria provided, single submitter. Criteria: ACMG Guidelines, 2015. Collection method: clinical testing. Allele origin: germline. Observed: 3 variant alleles.

ARUP Laboratories, Molecular Genetics and Genomics, ARUP Laboratories
Classification: Benign for Fanconi anemia complementation group P. Last evaluated: 2025-01-30. Review status: criteria provided, single submitter. Criteria: ARUP Molecular Germline Variant Investigation Process 2024. Collection method: clinical testing. Allele origin: germline.

Blueprint Genetics
Classification: Likely benign. Last evaluated: 2024-11-27. Review status: criteria provided, single submitter. Criteria: ACMG Guidelines, 2015. Collection method: clinical testing. Allele origin: germline.

KCCC/NGS Laboratory, Kuwait Cancer Control Center
Classification: Benign for Fanconi anemia complementation group P. Last evaluated: 2023-07-07. Review status: criteria provided, single submitter. Criteria: ACMG Guidelines, 2015. Collection method: clinical testing. Allele origin: germline. Affected: yes.

GeneDx
Classification: Benign. Last evaluated: 2019-02-28. Review status: criteria provided, single submitter. Criteria: GeneDx Variant Classification Process June 2021. Collection method: clinical testing. Allele origin: germline. Affected: yes.

Illumina Laboratory Services, Illumina
Classification: Benign for Fanconi anemia complementation group P. Last evaluated: 2018-01-12. Review status: criteria provided, single submitter. Criteria: ICSL Variant Classification Criteria 13 December 2019. Collection method: clinical testing. Allele origin: germline.
Comment: This variant was observed in the ICSL laboratory as part of a predisposition screen in an ostensibly healthy population. It had not been previously curated by ICSL or reported in the Human Gene Mutation Database (HGMD: prior to June 1st, 2018), and was therefore a candidate for classification through an automated scoring system. Utilizing variant allele frequency, disease prevalence and penetrance estimates, and inheritance mode, an automated score was calculated to assess if this variant is too frequent to cause the disease. Based on the score and internal cut-off values, a variant classified as benign is not then subjected to further curation. The score for this variant resulted in a classification of benign for this disease.

Breakthrough Genomics
Classification: Benign. Review status: criteria provided, single submitter. Criteria: ACMG Guidelines, 2015. Collection method: not provided. Allele origin: germline. Inheritance: Autosomal recessive inheritance. Affected: yes.

PreventionGenetics, part of Exact Sciences
Classification: Benign. Review status: criteria provided, single submitter. Criteria: ACMG Guidelines, 2015. Collection method: clinical testing. Allele origin: germline.

Leiden Open Variation Database
Classification: Likely benign. Last evaluated: 2012-08-31. Review status: no assertion criteria provided. Collection method: curation. Allele origin: germline. Affected: yes. Not counted in ClinVar's aggregate classification.
Comment: Curator: Arleen D. Auerbach. Submitter to LOVD: Janine Bakker.

Literature cited by the submitters: PubMed 22911665 (cited by Leiden Open Variation Database).

NM_032444.4(SLX4):c.3162G>A (p.Ser1054=)

Gene: SLX4 (SLX4 structure-specific endonuclease subunit; minus strand). Cytogenetic location: 16p13.3.
Variant type: single nucleotide variant.
Coding change: c.3162G>A on transcript NM_032444.4 (MANE Select); coding-DNA position 3162, G replaced by A.
Protein change: p.Ser1054=; no amino-acid change (serine 1054 retained).
Molecular consequence: synonymous variant.
Genome position (GRCh38, 1-based): chr16:3,590,476, C>T on the plus strand (G>A on the coding strand, the complement: SLX4 is on the minus strand). VCF-style: chr16-3590476-C-T. GRCh37 (hg19) VCF-style: chr16-3640477-C-T.
Other names: p.Ser1054=; c.3162G>A (NM_032444.3, LRG_503t1).
Identifiers: ClinVar variation 262046 (VCV000262046.32), dbSNP rs76488917, ClinGen allele CA7865980.